The following is an entry in ClinVar:

NM_000254.3(MTR):c.1215G>C (p.Gln405His)

Gene: MTR (5-methyltetrahydrofolate-homocysteine methyltransferase; plus strand). Cytogenetic location: 1q43.
Variant type: single nucleotide variant.
Coding change: c.1215G>C on transcript NM_000254.3 (MANE Select); coding-DNA position 1215, G replaced by C.
Protein change: p.Gln405His; replaces glutamine 405 with histidine.
Molecular consequence: missense variant. On other transcripts: 5 prime UTR variant (1).
Genome position (GRCh38, 1-based): chr1:236,835,573, G>C. VCF-style: chr1-236835573-G-C. GRCh37 (hg19) VCF-style: chr1-236998873-G-C.
Other names: c.1215G>C, p.Gln405His (NM_001291939.1, NM_001410942.1); c.-7G>C (NM_001291940.2); short protein forms Q405H.
Identifiers: ClinVar variation 3373420 (VCV003373420.1).

ClinVar aggregate classification (germline): Uncertain significance (1 of 4 stars; one submission).

Submission:

GeneDx
Classification: Uncertain significance. Last evaluated: 2024-03-04. Review status: criteria provided, single submitter. Criteria: GeneDx Variant Classification Process June 2021. Collection method: clinical testing. Allele origin: germline. Affected: yes.
Comment: Not observed at significant frequency in large population cohorts (gnomAD); In silico analysis supports that this missense variant has a deleterious effect on protein structure/function; Has not been previously published as pathogenic or benign to our knowledge